The following is an entry in ClinVar:

NM_144991.3(TSPEAR):c.943G>A (p.Val315Met)

Gene: TSPEAR (thrombospondin type laminin G domain and EAR repeats; minus strand). Cytogenetic location: 21q22.3.
Variant type: single nucleotide variant.
Coding change: c.943G>A on transcript NM_144991.3 (MANE Select); coding-DNA position 943, G replaced by A.
Protein change: p.Val315Met; replaces valine 315 with methionine.
Molecular consequence: missense variant.
Genome position (GRCh38, 1-based): chr21:44,527,498, C>T on the plus strand (G>A on the coding strand, the complement: TSPEAR is on the minus strand). VCF-style: chr21-44527498-C-T. GRCh37 (hg19) VCF-style: chr21-45947381-C-T.
Other names: c.739G>A, p.Val247Met (NM_001272037.2); short protein forms V315M, V247M.
Identifiers: ClinVar variation 228056 (VCV000228056.9), dbSNP rs148421362, ClinGen allele CA10056772.
Genomic context (GRCh38, chr21:44,527,498, plus strand): 5'-TGCGGAACACCTCAATGCCCAGGGTCTCTGAGTTGGTGGACAAGTTCTGATGCTCCTCCA[C>T]GTAGTCCAGTCTTTCTTTGGCTTGTGATAGAAACGTTGTGACTCGGTTAAGATTTCCGAG-3'
Protein context (NP_659428.2, residues 305-325): VLAAKERLDY[Val315Met]EEHQNLSTNS

ClinVar aggregate classification (germline): Conflicting classifications of pathogenicity. Review status: criteria provided, conflicting classifications (1 of 4 stars). 3 submissions from 3 submitters: Uncertain significance (1); Likely benign (2). Last evaluated 2026-02-22.

Conditions:
TSPEAR-related disorder. Also called: TSPEAR-related condition.

Allele frequency attached by ClinVar (database versions not stated): gnomAD exomes 0.00021; ExAC 0.00029; gnomAD 0.00050 and 0.00051; TOPMed 0.00053; 1000 Genomes Project 0.00080; 1000 Genomes Project 30x 0.00094; ESP Exome Variant Server 0.00115.
gnomAD v4.1: 184 of 1,614,196 alleles (0.011%); highest among the groups gnomAD compares: African/African-American, 0.17%; 1 homozygote.

Submissions (3):

PreventionGenetics, part of Exact Sciences
Classification: Likely benign for TSPEAR-related condition. Last evaluated: 2026-02-22. Review status: criteria provided, single submitter. Criteria: ACMG Guidelines, 2015. Collection method: clinical testing. Allele origin: germline.
Comment: This variant is classified as likely benign based on ACMG/AMP sequence variant interpretation guidelines (Richards et al. 2015 PMID: 25741868, with internal and published modifications).

Labcorp Genetics (formerly Invitae), Labcorp
Classification: Uncertain significance. Last evaluated: 2025-07-02. Review status: criteria provided, single submitter. Criteria: Invitae Variant Classification Sherloc (09022015). Collection method: clinical testing. Allele origin: germline.
Comment: This sequence change replaces valine, which is neutral and non-polar, with methionine, which is neutral and non-polar, at codon 315 of the TSPEAR protein (p.Val315Met). This variant is present in population databases (rs148421362, gnomAD 0.2%). This variant has not been reported in the literature in individuals affected with TSPEAR-related conditions. ClinVar contains an entry for this variant (Variation ID: 228056). Invitae Evidence Modeling of protein sequence and biophysical properties (such as structural, functional, and spatial information, amino acid conservation, physicochemical variation, residue mobility, and thermodynamic stability) has been performed for this missense variant. However, the output from this modeling did not meet the statistical confidence thresholds required to predict the impact of this variant on TSPEAR protein function. In summary, the available evidence is currently insufficient to determine the role of this variant in disease. Therefore, it has been classified as a Variant of Uncertain Significance.

Laboratory for Molecular Medicine, Mass General Brigham Personalized Medicine
Classification: Likely benign. Last evaluated: 2014-11-24. Review status: criteria provided, single submitter. Criteria: LMM Criteria. Collection method: clinical testing. Allele origin: germline. Observed: 1 variant allele.
Comment: Val315Met in exon 7 of TSPEAR: This variant is not expected to have clinical sig nificance because it has been identified in 0.3% (15/4406) of African American c hromosomes from a broad population by the NHLBI Exome Sequencing Project (dbSNP rs148421362).